The following is an entry in ClinVar:

NM_000089.4(COL1A2):c.256G>T (p.Val86Phe)

Gene: COL1A2 (collagen type I alpha 2 chain; plus strand). Cytogenetic location: 7q21.3.
Variant type: single nucleotide variant.
Coding change: c.256G>T on transcript NM_000089.4 (MANE Select); coding-DNA position 256, G replaced by T.
Protein change: p.Val86Phe; replaces valine 86 with phenylalanine.
Molecular consequence: missense variant.
Genome position (GRCh38, 1-based): chr7:94,401,597, G>T. VCF-style: chr7-94401597-G-T. GRCh37 (hg19) VCF-style: chr7-94030909-G-T.
Other names: short protein forms V86F.
Identifiers: ClinVar variation 4994470 (VCV004994470.1).
Genomic context (GRCh38, chr7:94,401,597, plus strand): 5'-ATATATAATTTTTTTTTTTTACTTCTCTAGAACTTTGCTGCTCAGTATGATGGAAAAGGA[G>T]TTGGACTTGGCCCTGGACCAATGGTATGCTTATCTGTTTATCTTAGCCAAAAAAATTGCT-3'
Protein context (NP_000080.2, residues 76-96): NFAAQYDGKG[Val86Phe]GLGPGPMGLM

ClinVar aggregate classification (germline): Uncertain significance (1 of 4 stars; one submission).

Conditions:
COL1A2-related disorder. Also called: COL1A2-Related Disorders; COL1A2-related condition.

Submission:

PreventionGenetics, part of Exact Sciences
Classification: Uncertain significance for COL1A2-related condition. Last evaluated: 2026-08-26. Review status: criteria provided, single submitter. Criteria: ACMG Guidelines, 2015. Collection method: clinical testing. Allele origin: germline.
Comment: The COL1A2 c.256G>T variant is predicted to result in the amino acid substitution p.Val86Phe. To our knowledge, this variant has not been reported in the literature or in a large population database (gnomAD), indicating this variant is rare. At this time, the clinical significance of this variant is uncertain due to the absence of conclusive functional and genetic evidence.